The following is an entry in ClinVar:

NM_001287.6(CLCN7):c.1750A>G (p.Met584Val)

Gene: CLCN7 (Cl-/H+ antiporter 7; minus strand). Cytogenetic location: 16p13.3.
Variant type: single nucleotide variant.
Coding change: c.1750A>G on transcript NM_001287.6 (MANE Select); coding-DNA position 1750, A replaced by G.
Protein change: p.Met584Val; replaces methionine 584 with valine.
Molecular consequence: missense variant.
Genome position (GRCh38, 1-based): chr16:1,449,013, T>C on the plus strand (A>G on the coding strand, the complement: CLCN7 is on the minus strand). VCF-style: chr16-1449013-T-C. GRCh37 (hg19) VCF-style: chr16-1499014-T-C.
Other names: c.1678A>G, p.Met560Val (NM_001114331.3); short protein forms M560V, M584V.
Identifiers: ClinVar variation 2098880 (VCV002098880.6), dbSNP rs749027624, ClinGen allele CA7810093.

ClinVar aggregate classification (germline): Conflicting classifications of pathogenicity. Review status: criteria provided, conflicting classifications (1 of 4 stars). 3 submissions from 3 submitters: Likely pathogenic (2); Uncertain significance (1). Last evaluated 2025-05-21.

Conditions:
Autosomal dominant osteopetrosis 2. Also called: ALBERS-SCHONBERG DISEASE, AUTOSOMAL DOMINANT; Autosomal Dominant Osteopetrosis Type II (ADOII); Osteopetroses; Marble bones; Albers-Schonberg disease; Osteosclerosis fragilis. Identifiers: Orphanet 53, MedGen C3179239, MONDO:0008156, OMIM 166600.
CLCN7-related disorder. Also called: CLCN7-related condition.

Allele frequency attached by ClinVar (database versions not stated): ExAC 0.00001; gnomAD exomes 0.00001; TOPMed 0.00001.

Submissions (3):

Institute of Human Genetics, University of Leipzig Medical Center
Classification: Likely pathogenic for Autosomal dominant osteopetrosis 2. Last evaluated: 2025-05-21. Review status: criteria provided, single submitter. Criteria: ACMG Guidelines, 2015. Collection method: clinical testing. Allele origin: unknown. Inheritance: Autosomal dominant inheritance. Affected: yes.
Comment: Criteria applied: PS4_SUP,PM2_SUP,PM5_SUP,PP2,PP3,PP4

Labcorp Genetics (formerly Invitae), Labcorp
Classification: Uncertain significance. Last evaluated: 2022-09-07. Review status: criteria provided, single submitter. Criteria: Invitae Variant Classification Sherloc (09022015). Collection method: clinical testing. Allele origin: germline.
Comment: This missense change has been observed in individual(s) with autosomal dominant osteopetrosis (PMID: 33304905). It has also been observed to segregate with disease in related individuals. This variant is also known as c.1678A>G, p.Met560Val. Algorithms developed to predict the effect of missense changes on protein structure and function are either unavailable or do not agree on the potential impact of this missense change (SIFT: "Deleterious"; PolyPhen-2: "Possibly Damaging"; Align-GVGD: "Class C0"). In summary, the available evidence is currently insufficient to determine the role of this variant in disease. Therefore, it has been classified as a Variant of Uncertain Significance. This variant is present in population databases (rs749027624, gnomAD 0.0009%). This sequence change replaces methionine, which is neutral and non-polar, with valine, which is neutral and non-polar, at codon 584 of the CLCN7 protein (p.Met584Val).

Blueprint Genetics
Classification: Likely pathogenic for CLCN7-related disorders. Last evaluated: 2021-12-06. Review status: criteria provided, single submitter. Criteria: ACMG Guidelines, 2015. Collection method: clinical testing. Allele origin: germline. Affected: yes. Observed: 3 variant alleles.

Literature cited by the submitters: PubMed 33304905 (cited by Labcorp Genetics (formerly Invitae), Labcorp).